The following is an entry in ClinVar:

NM_199242.3(UNC13D):c.2383A>T (p.Met795Leu)

Gene: UNC13D (unc-13 homolog D; minus strand). Cytogenetic location: 17q25.1.
Variant type: single nucleotide variant.
Coding change: c.2383A>T on transcript NM_199242.3 (MANE Select); coding-DNA position 2383, A replaced by T.
Protein change: p.Met795Leu; replaces methionine 795 with leucine.
Molecular consequence: missense variant.
Genome position (GRCh38, 1-based): chr17:75,833,030, T>A on the plus strand (A>T on the coding strand, the complement: UNC13D is on the minus strand). VCF-style: chr17-75833030-T-A. GRCh37 (hg19) VCF-style: chr17-73829111-T-A.
Other names: short protein forms M795L.
Identifiers: ClinVar variation 1010744 (VCV001010744.7), dbSNP rs1385939686, ClinGen allele CA401085113.
Genomic context (GRCh38, chr17:75,833,030, plus strand): 5'-TGAAGTTCTCCTGCACCAAGTTGGTGTTCATGTAGCAAAGCTCCACCTCCAGGAACTTCA[T>A]CAGGGGCAGAATGGCCTGGGGAGGGAGATGGGGAGCAGGTGTGGCTCCGGCCCATGTTGG-3'
Protein context (NP_954712.1, residues 785-805): VLPEDAILPL[Met795Leu]KFLEVELCYM

ClinVar aggregate classification (germline): Uncertain significance (1 of 4 stars; one submission).

Conditions:
Familial hemophagocytic lymphohistiocytosis 3 (FHL3). Also called: UNC13D-Related Familial Hemophagocytic Lymphohistiocytosis (UNC13D-fHLH). Identifiers: Orphanet 540, MedGen C1837174, MONDO:0012146, OMIM 608898.

Allele frequency attached by ClinVar (database versions not stated): gnomAD 0.00001; TOPMed 0.00001.

Submission:

Labcorp Genetics (formerly Invitae), Labcorp
Classification: Uncertain significance for Familial hemophagocytic lymphohistiocytosis 3. Last evaluated: 2020-07-09. Review status: criteria provided, single submitter. Criteria: Invitae Variant Classification Sherloc (09022015). Collection method: clinical testing. Allele origin: germline.
Comment: Algorithms developed to predict the effect of missense changes on protein structure and function are either unavailable or do not agree on the potential impact of this missense change (SIFT: "Not Available"; PolyPhen-2: "Benign"; Align-GVGD: "Not Available"). This variant has not been reported in the literature in individuals with UNC13D-related conditions. This variant is not present in population databases (ExAC no frequency). This sequence change replaces methionine with leucine at codon 795 of the UNC13D protein (p.Met795Leu). The methionine residue is highly conserved and there is a small physicochemical difference between methionine and leucine. In summary, the available evidence is currently insufficient to determine the role of this variant in disease. Therefore, it has been classified as a Variant of Uncertain Significance.